The following is an entry in ClinVar:

ClinVar aggregate classification (germline): Conflicting classifications of pathogenicity. Review status: criteria provided, conflicting classifications (1 of 4 stars). 3 submissions from 3 submitters: Uncertain significance (2); Benign (1). Last evaluated 2025-01-06.

Conditions:
Retinitis pigmentosa 86. Identifiers: MedGen C5231428, MONDO:0032834, OMIM 618613.

Allele frequency attached by ClinVar (database versions not stated): ESP Exome Variant Server 0.00008; ExAC 0.00009; gnomAD 0.00013; 1000 Genomes Project 30x 0.00016; TOPMed 0.00018; gnomAD exomes 0.00020.
gnomAD v4.1: 305 of 1,551,770 alleles (0.02%); highest among the groups gnomAD compares: East Asian, 0.095%; 1 homozygote.

Submissions (3):

Labcorp Genetics (formerly Invitae), Labcorp
Classification: Uncertain significance. Last evaluated: 2025-01-06. Review status: criteria provided, single submitter. Criteria: Invitae Variant Classification Sherloc (09022015). Collection method: clinical testing. Allele origin: germline.
Comment: This sequence change replaces arginine, which is basic and polar, with glutamine, which is neutral and polar, at codon 1863 of the KIAA1549 protein (p.Arg1863Gln). This variant is present in population databases (rs201508644, gnomAD 0.2%). This variant has not been reported in the literature in individuals affected with KIAA1549-related conditions. ClinVar contains an entry for this variant (Variation ID: 999600). An algorithm developed to predict the effect of missense changes on protein structure and function (PolyPhen-2) suggests that this variant is likely to be disruptive. In summary, the available evidence is currently insufficient to determine the role of this variant in disease. Therefore, it has been classified as a Variant of Uncertain Significance.

Blueprint Genetics
Classification: Benign. Last evaluated: 2024-11-05. Review status: criteria provided, single submitter. Criteria: ACMG Guidelines, 2015. Collection method: clinical testing. Allele origin: germline.

3billion
Classification: Uncertain significance for Retinitis pigmentosa 86. Last evaluated: 2023-06-28. Review status: criteria provided, single submitter. Criteria: ACMG Guidelines, 2015. Collection method: clinical testing. Allele origin: germline. Affected: yes.
Comment: The variant is observed at an extremely low frequency in the gnomAD v2.1.1 dataset (total allele frequency: 0.022%). Predicted Consequence/Location: Missense variant In silico tool predictions suggest no damaging effect of the variant on gene or gene product (REVEL: 0.06; 3Cnet: 0.02). Therefore, this variant is classified as VUS according to the recommendation of ACMG/AMP guideline.

NM_001164665.2(KIAA1549):c.5588G>A (p.Arg1863Gln)

Gene: KIAA1549 (KIAA1549; minus strand). Cytogenetic location: 7q34.
Variant type: single nucleotide variant.
Coding change: c.5588G>A on transcript NM_001164665.2 (MANE Select); coding-DNA position 5588, G replaced by A.
Protein change: p.Arg1863Gln; replaces arginine 1863 with glutamine.
Molecular consequence: missense variant.
Genome position (GRCh38, 1-based): chr7:138,840,143, C>T on the plus strand (G>A on the coding strand, the complement: KIAA1549 is on the minus strand). VCF-style: chr7-138840143-C-T. GRCh37 (hg19) VCF-style: chr7-138524888-C-T.
Other names: c.5588G>A, p.Arg1863Gln (NM_020910.3); short protein forms R1863Q.
Identifiers: ClinVar variation 999600 (VCV000999600.7), dbSNP rs201508644, ClinGen allele CA4505514.
Genomic context (GRCh38, chr7:138,840,143, plus strand): 5'-CCTGGCCTATGTCTAAATTTTAAATGATGACCCAAACAGGAGATACTCACGGCCTCTCTT[C>T]GCCCCGCTTCGTCCTCCCCGTACGAAGGCCAGCCTGGCCCCCCATACTGGCTGCCTCTGC-3'
Protein context (NP_001158137.1, residues 1853-1873): WPSYGEDEAG[Arg1863Gln]REATHMLGHQ